The following is an entry in ClinVar:

ClinVar aggregate classification (germline): Likely pathogenic (1 of 4 stars; one submission).

Submission:

Labcorp Genetics (formerly Invitae), Labcorp
Classification: Likely pathogenic. Last evaluated: 2022-05-03. Review status: criteria provided, single submitter. Criteria: Invitae Variant Classification Sherloc (09022015). Collection method: clinical testing. Allele origin: germline.
Comment: In summary, the currently available evidence indicates that the variant is pathogenic, but additional data are needed to prove that conclusively. Therefore, this variant has been classified as Likely Pathogenic. This variant disrupts the p.Pro640 amino acid residue in ABCA4. Other variant(s) that disrupt this residue have been determined to be pathogenic (PMID: 20647261, 29925512). This suggests that this residue is clinically significant, and that variants that disrupt this residue are likely to be disease-causing. Advanced modeling of protein sequence and biophysical properties (such as structural, functional, and spatial information, amino acid conservation, physicochemical variation, residue mobility, and thermodynamic stability) performed at Invitae indicates that this missense variant is expected to disrupt ABCA4 protein function. This variant has not been reported in the literature in individuals affected with ABCA4-related conditions. This variant is not present in population databases (gnomAD no frequency). This sequence change replaces proline, which is neutral and non-polar, with arginine, which is basic and polar, at codon 640 of the ABCA4 protein (p.Pro640Arg).

Literature cited by the submitters: PubMed 20647261; PubMed 29925512.

NM_000350.3(ABCA4):c.1919C>G (p.Pro640Arg)

Gene: ABCA4 (ATP binding cassette subfamily A member 4; minus strand). Cytogenetic location: 1p22.1.
Variant type: single nucleotide variant.
Coding change: c.1919C>G on transcript NM_000350.3 (MANE Select); coding-DNA position 1919, C replaced by G.
Protein change: p.Pro640Arg; replaces proline 640 with arginine.
Molecular consequence: missense variant.
Genome position (GRCh38, 1-based): chr1:94,062,595, G>C on the plus strand (C>G on the coding strand, the complement: ABCA4 is on the minus strand). VCF-style: chr1-94062595-G-C. GRCh37 (hg19) VCF-style: chr1-94528151-G-C.
Other names: c.1919C>G, p.Pro640Arg (NM_001425324.1); short protein forms P640R.
Identifiers: ClinVar variation 2132773 (VCV002132773.4), dbSNP rs760790294, ClinGen allele CA341279253.